The following is an entry in ClinVar:

ClinVar aggregate classification (germline): Uncertain significance. Review status: criteria provided, multiple submitters, no conflicts (2 of 4 stars). 2 submissions from 2 submitters: Uncertain significance (2). Last evaluated 2025-04-21.

gnomAD v4.1: 21 of 1,613,948 alleles (0.0013%); highest among the groups gnomAD compares: African/African-American, 0.024%; no homozygotes.

Submissions (2):

Labcorp Genetics (formerly Invitae), Labcorp
Classification: Uncertain significance. Last evaluated: 2025-04-21. Review status: criteria provided, single submitter. Criteria: Invitae Variant Classification Sherloc (09022015). Collection method: clinical testing. Allele origin: germline.
Comment: This sequence change replaces alanine, which is neutral and non-polar, with aspartic acid, which is acidic and polar, at codon 81 of the HERC1 protein (p.Ala81Asp). This variant is present in population databases (rs527469204, gnomAD 0.05%). This variant has not been reported in the literature in individuals affected with HERC1-related conditions. ClinVar contains an entry for this variant (Variation ID: 3603214). Invitae Evidence Modeling of protein sequence and biophysical properties (such as structural, functional, and spatial information, amino acid conservation, physicochemical variation, residue mobility, and thermodynamic stability) indicates that this missense variant is not expected to disrupt HERC1 protein function with a negative predictive value of 80%. In summary, the available evidence is currently insufficient to determine the role of this variant in disease. Therefore, it has been classified as a Variant of Uncertain Significance.

GeneDx
Classification: Uncertain significance. Last evaluated: 2024-08-06. Review status: criteria provided, single submitter. Criteria: GeneDx Variant Classification Process June 2021. Collection method: clinical testing. Allele origin: germline. Affected: yes.
Comment: In silico analysis supports that this missense variant has a deleterious effect on protein structure/function; Has not been previously published as pathogenic or benign to our knowledge

NM_003922.4(HERC1):c.242C>A (p.Ala81Asp)

Gene: HERC1 (HECT and RLD domain containing E3 ubiquitin protein ligase family member 1; minus strand). Cytogenetic location: 15q22.31.
Variant type: single nucleotide variant.
Coding change: c.242C>A on transcript NM_003922.4 (MANE Select); coding-DNA position 242, C replaced by A.
Protein change: p.Ala81Asp; replaces alanine 81 with aspartic acid.
Molecular consequence: missense variant.
Genome position (GRCh38, 1-based): chr15:63,775,382, G>T on the plus strand (C>A on the coding strand, the complement: HERC1 is on the minus strand). VCF-style: chr15-63775382-G-T. GRCh37 (hg19) VCF-style: chr15-64067581-G-T.
Other names: short protein forms A81D.
Identifiers: ClinVar variation 3603214 (VCV003603214.3).